The following is an entry in ClinVar:

NM_003235.5(TG):c.301C>T (p.Gln101Ter)

Gene: TG (thyroglobulin; plus strand). Cytogenetic location: 8q24.22.
Variant type: single nucleotide variant.
Coding change: c.301C>T on transcript NM_003235.5 (MANE Select); coding-DNA position 301, C replaced by T.
Protein change: p.Gln101Ter; replaces glutamine 101 with a stop codon.
Molecular consequence: nonsense.
Genome position (GRCh38, 1-based): chr8:132,871,374, C>T. VCF-style: chr8-132871374-C-T. GRCh37 (hg19) VCF-style: chr8-133883619-C-T.
Other names: short protein forms Q101*.
Identifiers: ClinVar variation 2808824 (VCV002808824.3), dbSNP rs531772882, ClinGen allele CA372246493.
Genomic context (GRCh38, chr8:132,871,374, plus strand): 5'-CAGTTCTATCTAACATTGCTCCTTGTACCCACAGGTCTGTCATTTTGTCAGCTACAGAAA[C>T]AGCAGATCTTACTGAGTGGCTACATTAACAGCACAGACACCTCCTACCTCCCTCAGTGTC-3'

ClinVar aggregate classification (germline): Pathogenic (1 of 4 stars; one submission).

gnomAD v4.1: 1 of 1,614,222 alleles (0.000062%); no homozygotes.

Submission:

Labcorp Genetics (formerly Invitae), Labcorp
Classification: Pathogenic. Last evaluated: 2023-12-06. Review status: criteria provided, single submitter. Criteria: Invitae Variant Classification Sherloc (09022015). Collection method: clinical testing. Allele origin: germline.
Comment: This sequence change creates a premature translational stop signal (p.Gln101*) in the TG gene. It is expected to result in an absent or disrupted protein product. Loss-of-function variants in TG are known to be pathogenic (PMID: 19837936, 23164529). This variant is present in population databases (no rsID available, gnomAD 0.003%). This variant has not been reported in the literature in individuals affected with TG-related conditions. For these reasons, this variant has been classified as Pathogenic.

Literature cited by the submitters: PubMed 19837936; PubMed 23164529.